The following is an entry in ClinVar:

NM_001754.5(RUNX1):c.1155C>T (p.Tyr385=)

Gene: RUNX1 (RUNX family transcription factor 1; minus strand). Cytogenetic location: 21q22.12.
Variant type: single nucleotide variant.
Coding change: c.1155C>T on transcript NM_001754.5 (MANE Select); coding-DNA position 1155, C replaced by T.
Protein change: p.Tyr385=; no amino-acid change (tyrosine 385 retained).
Molecular consequence: synonymous variant.
Genome position (GRCh38, 1-based): chr21:34,792,423, G>A on the plus strand (C>T on the coding strand, the complement: RUNX1 is on the minus strand). VCF-style: chr21-34792423-G-A. GRCh37 (hg19) VCF-style: chr21-36164720-G-A.
Other names: NM_001754.5(RUNX1):c.1155C>T; p.Tyr385=; c.1074C>T, p.Tyr358= (NM_001001890.3).
Identifiers: ClinVar variation 2900640 (VCV002900640.7), dbSNP rs1218234997, ClinGen allele CA512341265.

ClinVar aggregate classification (germline): Likely benign. Review status: reviewed by expert panel (3 of 4 stars). 3 submissions from 3 submitters: Likely benign (1). 2 of the submissions do not count toward it. Last evaluated 2026-04-29.

Conditions:
Hereditary thrombocytopenia and hematologic cancer predisposition syndrome. Identifiers: Orphanet 71290, MedGen CN281654, MONDO:0011071.
Inborn genetic diseases. Identifiers: MedGen C0950123, MeSH D030342.
Hereditary thrombocytopenia and hematological cancer predisposition syndrome associated with RUNX1. Also called: Familial Platelet Disorder with Propensity to Acute Myelogenous Leukemia; Familial thrombocytopenia with propensity to acute myelogenous leukemia; PLATELET DISORDER, ASPIRIN-LIKE; RUNX1 Familial Platelet Disorder with Associated Myeloid Malignancies. Identifiers: Orphanet 71290, MedGen C1832388, MeSH C563324, MONDO:0100083, OMIM 601399.

gnomAD v4.1: 2 of 1,571,426 alleles (0.00013%); highest among the groups gnomAD compares: South Asian, 0.0012%; no homozygotes.

Submissions (3):

ClinGen Myeloid Malignancy Variant Curation Expert Panel
Classification: Likely benign for Hereditary thrombocytopenia and hematologic cancer predisposition syndrome. Last evaluated: 2026-04-29. Review status: reviewed by expert panel. Criteria: ClinGen MyeloMalig ACMG Specifications V3.1. Collection method: curation. Allele origin: germline. Inheritance: Autosomal dominant inheritance.
Comment: NM_001754.5(RUNX1):c.1155C>T (p.Tyr385=) is a synonymous variant which has a SpliceAI score ≤ 0.20 (0.0) (BP4, BP7). This variant has a MAF ≤ 0.00005 in gnomAD v4 across all subpopulations with at least 20X coverage for RUNX1 (PM2_supporting). In summary, this variant meets criteria to be classified as likely benign. ACMG/AMP criteria applied, as specified by the Myeloid Malignancy Variant Curation Expert Panel for RUNX1: BP4, BP7, PM2_supporting.

Ambry Genetics
Classification: Likely benign for Inborn genetic diseases. Last evaluated: 2026-05-21. Review status: criteria provided, single submitter. Criteria: Ambry Variant Classification Scheme 2023. Collection method: clinical testing. Allele origin: germline. Not counted in ClinVar's aggregate classification.

Labcorp Genetics (formerly Invitae), Labcorp
Classification: Likely benign for Hereditary thrombocytopenia and hematological cancer predisposition syndrome associated with RUNX1. Last evaluated: 2023-06-15. Review status: criteria provided, single submitter. Criteria: Invitae Variant Classification Sherloc (09022015). Collection method: clinical testing. Allele origin: germline. Not counted in ClinVar's aggregate classification.